The following is an entry in ClinVar:

NM_017636.4(TRPM4):c.3367A>C (p.Thr1123Pro)

Gene: TRPM4 (transient receptor potential cation channel subfamily M member 4; plus strand). Cytogenetic location: 19q13.33.
Variant type: single nucleotide variant.
Coding change: c.3367A>C on transcript NM_017636.4 (MANE Select); coding-DNA position 3367, A replaced by C.
Protein change: p.Thr1123Pro; replaces threonine 1123 with proline.
Molecular consequence: missense variant.
Genome position (GRCh38, 1-based): chr19:49,210,748, A>C. VCF-style: chr19-49210748-A-C. GRCh37 (hg19) VCF-style: chr19-49714005-A-C.
Other names: c.2932A>C, p.Thr978Pro (NM_001195227.2); c.3022A>C, p.Thr1008Pro (NM_001321281.2); c.1759A>C, p.Thr587Pro (NM_001321282.2); c.2845A>C, p.Thr949Pro (NM_001321283.2); c.2305A>C, p.Thr769Pro (NM_001321285.2); short protein forms T1123P, T1008P, T587P, T769P, T949P, T978P.
Identifiers: ClinVar variation 409631 (VCV000409631.13), dbSNP rs144912849, ClinGen allele CA9569882.

ClinVar aggregate classification (germline): Uncertain significance. Review status: criteria provided, multiple submitters, no conflicts (2 of 4 stars). 3 submissions from 3 submitters: Uncertain significance (3). Last evaluated 2025-07-22.

Conditions:
Cardiovascular phenotype. Identifiers: MedGen CN230736.
Progressive familial heart block type IB (PFHB1B). Identifiers: Orphanet 871, MedGen C1970298, MONDO:0011474, OMIM 604559.

Allele frequency attached by ClinVar (database versions not stated): TOPMed 0.00006; ESP Exome Variant Server 0.00015; 1000 Genomes Project 30x 0.00031; 1000 Genomes Project 0.00040; gnomAD exomes below 0.00001 and 0.00002; ExAC 0.00003; gnomAD 0.00004 and 0.00006.
gnomAD v4.1: 13 of 1,614,168 alleles (0.00081%); highest among the groups gnomAD compares: African/African-American, 0.013%; no homozygotes.

Submissions (3):

Labcorp Genetics (formerly Invitae), Labcorp
Classification: Uncertain significance for Progressive familial heart block type IB. Last evaluated: 2025-07-22. Review status: criteria provided, single submitter. Criteria: Invitae Variant Classification Sherloc (09022015). Collection method: clinical testing. Allele origin: germline.
Comment: This sequence change replaces threonine, which is neutral and polar, with proline, which is neutral and non-polar, at codon 1123 of the TRPM4 protein (p.Thr1123Pro). This variant is present in population databases (rs144912849, gnomAD 0.02%). This variant has not been reported in the literature in individuals affected with TRPM4-related conditions. ClinVar contains an entry for this variant (Variation ID: 409631). An algorithm developed to predict the effect of missense changes on protein structure and function (PolyPhen-2) suggests that this variant is likely to be disruptive. In summary, the available evidence is currently insufficient to determine the role of this variant in disease. Therefore, it has been classified as a Variant of Uncertain Significance.

GeneDx
Classification: Uncertain significance. Last evaluated: 2024-07-30. Review status: criteria provided, single submitter. Criteria: GeneDx Variant Classification Process June 2021. Collection method: clinical testing. Allele origin: germline. Affected: yes.
Comment: Has not been previously published as pathogenic or benign to our knowledge; Not observed at significant frequency in large population cohorts (gnomAD); In silico analysis supports that this missense variant has a deleterious effect on protein structure/function

Ambry Genetics
Classification: Uncertain significance for Cardiovascular phenotype. Last evaluated: 2024-05-30. Review status: criteria provided, single submitter. Criteria: Ambry Variant Classification Scheme 2023. Collection method: clinical testing. Allele origin: germline.
Comment: The p.T1123P variant (also known as c.3367A>C), located in coding exon 22 of the TRPM4 gene, results from an A to C substitution at nucleotide position 3367. The threonine at codon 1123 is replaced by proline, an amino acid with highly similar properties. This amino acid position is highly conserved in available vertebrate species. In addition, this alteration is predicted to be tolerated by in silico analysis. Since supporting evidence is limited at this time, the clinical significance of this alteration remains unclear.